The following is an entry in ClinVar:

NM_000135.4(FANCA):c.4261-14_4261-2dup

Genes: FANCA (FA complementation group A; minus strand), ZNF276 (zinc finger protein 276; plus strand). Cytogenetic location: 16q24.3.
Variant type: Duplication.
Coding change: c.4261-14_4261-2dup on transcript NM_000135.4 (MANE Select); 14 bases into the intron before coding-DNA position 4261 through the canonical splice acceptor site of the intron before coding-DNA position 4261, 13 bases duplicated (CTCCTCTCTCACA).
Molecular consequence: splice acceptor variant. On other transcripts: 3 prime UTR variant (2), non-coding transcript variant (4).
Genome position (GRCh38, 1-based): chr16:89,738,710-89,738,722, TGTGAGAGAGGAG duplicated on the plus strand (CTCCTCTCTCACA on the coding strand, the reverse complement: FANCA is on the minus strand). VCF-style (leftmost placement, unchanged base first): chr16-89738709-C-CTGTGAGAGAGGAG. GRCh37 (hg19) VCF-style: chr16-89805117-C-CTGTGAGAGAGGAG.
Other names: c.4261-14_4261-2dup13 (NM_000135.4); c.*464_*476dup (NM_001113525.2, NM_152287.4); c.4265-14_4265-2dup (NM_001286167.3).
Identifiers: ClinVar variation 4525819 (VCV004525819.1).
Genomic context (GRCh38, chr16:89,738,709, plus strand): 5'-CTGTCTGCTCTGGAGGGCGGCGCTCACCTCTGGGTCGCAGTCCCCACGATCAGCCAGCAG[C>CTGTGAGAGAGGAG]TGTGAGAGAGGAGCAGGTCCTCAGCCCATGCCGCCCACTAGGCCTCAGACCACAGGGGAG-3'

ClinVar aggregate classification (germline): Uncertain significance (1 of 4 stars; one submission).

Submission:

Women's Health and Genetics/Laboratory Corporation of America, LabCorp
Classification: Uncertain significance. Last evaluated: 2025-07-17. Review status: criteria provided, single submitter. Criteria: LabCorp Variant Classification Summary - May 2015. Collection method: clinical testing. Allele origin: germline.
Comment: Variant summary: FANCA c.4261-14_4261-2dup13 is located close to a canonical splice site and therefore could affect mRNA splicing, leading to a significantly altered protein sequence. Consensus agreement among computation tools predict no significant impact on normal splicing. However, these predictions have yet to be confirmed by functional studies. The variant was absent in 249490 control chromosomes (gnomAD). The available data on variant occurrences in the general population are insufficient to allow any conclusion about variant significance. To our knowledge, no occurrence of c.4261-14_4261-2dup13 in individuals affected with Fanconi Anemia and no experimental evidence demonstrating its impact on protein function have been reported. No submitters have cited clinical-significance assessments for this variant to ClinVar. Based on the evidence outlined above, the variant was classified as uncertain significance.